The following is an entry in ClinVar:

NC_000002.11:g.(?_166237583)_(166246334_?)del

Gene: SCN2A (sodium voltage-gated channel alpha subunit 2; plus strand). Cytogenetic location: 2q24.3.
Variant type: Deletion.
Identifiers: ClinVar variation 2426641 (VCV002426641.6).

ClinVar aggregate classification (germline): Pathogenic (1 of 4 stars; one submission).

Conditions:
Seizures, benign familial infantile, 3 (BFIS3). Also called: Familial neonatal seizures; CONVULSIONS, BENIGN FAMILIAL INFANTILE, 3. Identifiers: Orphanet 140927, Orphanet 306, MedGen C1843140, MONDO:0011904, OMIM 607745.
Developmental and epileptic encephalopathy, 11 (DEE11). Also called: Early infantile epileptic encephalopathy 11. Identifiers: Orphanet 1934, MedGen C3150987, MONDO:0013388, OMIM 613721.

Submission:

Labcorp Genetics (formerly Invitae), Labcorp
Classification: Pathogenic for Seizures, benign familial infantile, 3; Developmental and epileptic encephalopathy, 11. Last evaluated: 2022-06-11. Review status: criteria provided, single submitter. Criteria: Invitae Variant Classification Sherloc (09022015). Collection method: clinical testing. Allele origin: germline.
Comment: This variant is a gross deletion of the genomic region encompassing exon(s) 25-27 of the SCN2A gene, which includes the termination codon. This deletion extends beyond the assayed region for this gene and therefore may encompass additional genes. While this deletion is not anticipated to lead to nonsense mediated decay, it is expected to alter mRNA translation or result in a truncated protein product. This variant has not been reported in the literature in individuals affected with SCN2A-related conditions. This variant disrupts a region of the SCN2A protein in which other variant(s) (p.Met1490Val) have been determined to be pathogenic (PMID: 28554332, 31487502; Invitae). This suggests that this is a clinically significant region of the protein, and that variants that disrupt it are likely to be disease-causing. For these reasons, this variant has been classified as Pathogenic.

Literature cited by the submitters: PubMed 28554332; PubMed 31487502.